The following is an entry in ClinVar:

NM_001567.4(INPPL1):c.3427T>C (p.Ser1143Pro)

Gene: INPPL1 (inositol polyphosphate phosphatase like 1; plus strand). Cytogenetic location: 11q13.4.
Variant type: single nucleotide variant.
Coding change: c.3427T>C on transcript NM_001567.4 (MANE Select); coding-DNA position 3427, T replaced by C.
Protein change: p.Ser1143Pro; replaces serine 1143 with proline.
Molecular consequence: missense variant.
Genome position (GRCh38, 1-based): chr11:72,237,671, T>C. VCF-style: chr11-72237671-T-C. GRCh37 (hg19) VCF-style: chr11-71948715-T-C.
Other names: short protein forms S1143P.
Identifiers: ClinVar variation 2134110 (VCV002134110.4), dbSNP rs2539247590, ClinGen allele CA381739157.
Genomic context (GRCh38, chr11:72,237,671, plus strand): 5'-GTGCTGCAGATGGCCAAGACGCTGAGCGAGGTGGACTATGCCCCTGCTGGGCCTGCACGC[T>C]CAGCGCTCCTCCCAGGCCCCCTGGAGCTGCAGCCCCCCCGGGGACTGCCCTCGGACTATG-3'
Protein context (NP_001558.3, residues 1133-1153): VDYAPAGPAR[Ser1143Pro]ALLPGPLELQ

ClinVar aggregate classification (germline): Uncertain significance (1 of 4 stars; one submission).

Allele frequency attached by ClinVar (database versions not stated): gnomAD exomes below 0.00001.
gnomAD v4.1: 1 of 1,611,884 alleles (0.000062%); highest among the groups gnomAD compares: Non-Finnish European, 0.000085%; no homozygotes.

Submission:

Labcorp Genetics (formerly Invitae), Labcorp
Classification: Uncertain significance. Last evaluated: 2024-10-25. Review status: criteria provided, single submitter. Criteria: Invitae Variant Classification Sherloc (09022015). Collection method: clinical testing. Allele origin: germline.
Comment: This sequence change replaces serine, which is neutral and polar, with proline, which is neutral and non-polar, at codon 1143 of the INPPL1 protein (p.Ser1143Pro). This variant is not present in population databases (gnomAD no frequency). This variant has not been reported in the literature in individuals affected with INPPL1-related conditions. ClinVar contains an entry for this variant (Variation ID: 2134110). An algorithm developed to predict the effect of missense changes on protein structure and function (PolyPhen-2) suggests that this variant is likely to be tolerated. In summary, the available evidence is currently insufficient to determine the role of this variant in disease. Therefore, it has been classified as a Variant of Uncertain Significance.